The following is an entry in ClinVar:

NM_004239.4(TRIP11):c.2134G>A (p.Glu712Lys)

Gene: TRIP11 (thyroid hormone receptor interactor 11; minus strand). Cytogenetic location: 14q32.12.
Variant type: single nucleotide variant.
Coding change: c.2134G>A on transcript NM_004239.4 (MANE Select); coding-DNA position 2134, G replaced by A.
Protein change: p.Glu712Lys; replaces glutamic acid 712 with lysine.
Molecular consequence: missense variant.
Genome position (GRCh38, 1-based): chr14:92,005,842, C>T on the plus strand (G>A on the coding strand, the complement: TRIP11 is on the minus strand). VCF-style: chr14-92005842-C-T. GRCh37 (hg19) VCF-style: chr14-92472186-C-T.
Other names: c.2131G>A, p.Glu711Lys (NM_001321851.1); short protein forms E712K, E711K.
Identifiers: ClinVar variation 314964 (VCV000314964.60), dbSNP rs143524436, ClinGen allele CA7313825.

ClinVar aggregate classification (germline): Benign/Likely benign. Review status: criteria provided, multiple submitters, no conflicts (2 of 4 stars). 13 submissions from 13 submitters: Benign (5); Likely benign (6). 2 of the submissions do not count toward it. Last evaluated 2026-06-05.

Conditions:
Achondrogenesis, type IA (ACG1A). Identifiers: Orphanet 932, Orphanet 93299, MedGen C0265273, MONDO:0008701, OMIM 200600.
Odontochondrodysplasia 1. Identifiers: Orphanet 166272, MedGen C5542277, MONDO:0100325, OMIM 184260.
Connective tissue disorder. Also called: Connective tissue disease. Identifiers: MedGen C0009782, MONDO:0003900.

Allele frequency attached by ClinVar (database versions not stated): 1000 Genomes Project 30x 0.00281; 1000 Genomes Project 0.00300; TOPMed 0.00592; ESP Exome Variant Server 0.00684; ExAC 0.00744; gnomAD exomes 0.00764 and 0.00898; gnomAD 0.00811 and 0.00835.
gnomAD v4.1: 14,294 of 1,614,040 alleles (0.89%); highest among the groups gnomAD compares: Non-Finnish European, 0.94%; 99 homozygotes.

Submissions (13):

Women's Health and Genetics/Laboratory Corporation of America, LabCorp
Classification: Likely benign. Last evaluated: 2026-06-05. Review status: criteria provided, single submitter. Criteria: LabCorp Variant Classification Summary - May 2015. Collection method: clinical testing. Allele origin: germline.
Comment: Variant summary: TRIP11 c.2134G>A (p.Glu712Lys) results in a conservative amino acid change in the encoded protein sequence. Algorithms developed to predict the effect of missense changes on protein structure and function are either unavailable or do not agree on the potential impact of this missense change. The variant allele was found at a frequency of 0.0076 in 250718 control chromosomes, predominantly at a frequency of 0.009 within the Non-Finnish European subpopulation in the gnomAD database, including 1 homozygote. The observed variant frequency within Non-Finnish European control individuals in the gnomAD database exceeds the estimated maximal expected allele frequency for disease-causing variants in TRIP11. c.2134G>A has been observed in at least one individual affected with a skeletal dysplasia, without strong evidence of causality (example: Rafati_2016). This report does not provide unequivocal conclusions about association of the variant with disease. To our knowledge, no experimental evidence demonstrating an impact on protein function has been reported. The following publication has been ascertained in the context of this evaluation (PMID: 27182040). ClinVar contains an entry for this variant (Variation ID: 314964). Based on the evidence outlined above, the variant was classified as likely benign.

CeGaT Center for Human Genetics Tuebingen
Classification: Likely benign. Last evaluated: 2026-06-01. Review status: criteria provided, single submitter. Criteria: CeGaT Center For Human Genetics Tuebingen Variant Classification Criteria Version 2. Collection method: clinical testing. Allele origin: germline. Affected: yes. Observed: 7 variant alleles.
Comment: TRIP11: BP4, BS2

Labcorp Genetics (formerly Invitae), Labcorp
Classification: Benign for Achondrogenesis, type IA. Last evaluated: 2026-02-01. Review status: criteria provided, single submitter. Criteria: Invitae Variant Classification Sherloc (09022015). Collection method: clinical testing. Allele origin: germline.

Genomic Medicine Center of Excellence, King Faisal Specialist Hospital and Research Centre
Classification: Likely benign. Last evaluated: 2025-08-18. Review status: criteria provided, single submitter. Criteria: ACMG Guidelines, 2015. Collection method: clinical testing. Allele origin: germline.

ARUP Laboratories, Molecular Genetics and Genomics, ARUP Laboratories
Classification: Benign. Last evaluated: 2023-11-01. Review status: criteria provided, single submitter. Criteria: ARUP Molecular Germline Variant Investigation Process 2024. Collection method: clinical testing. Allele origin: germline.

Fulgent Genetics
Classification: Likely benign for Odontochondrodysplasia 1; Achondrogenesis, type IA. Last evaluated: 2021-12-30. Review status: criteria provided, single submitter. Criteria: ACMG Guidelines, 2015. Collection method: clinical testing. Allele origin: unknown.

Genome Diagnostics Laboratory, The Hospital for Sick Children
Classification: Benign for Connective tissue disorder. Last evaluated: 2021-05-18. Review status: criteria provided, single submitter. Criteria: ACMG Guidelines, 2015. Collection method: clinical testing. Allele origin: germline.

Illumina Laboratory Services, Illumina
Classification: Benign for Achondrogenesis, type IA. Last evaluated: 2018-01-13. Review status: criteria provided, single submitter. Criteria: ICSL Variant Classification Criteria 13 December 2019. Collection method: clinical testing. Allele origin: germline.
Comment: This variant was observed in the ICSL laboratory as part of a predisposition screen in an ostensibly healthy population. It had not been previously curated by ICSL or reported in the Human Gene Mutation Database (HGMD: prior to June 1st, 2018), and was therefore a candidate for classification through an automated scoring system. Utilizing variant allele frequency, disease prevalence and penetrance estimates, and inheritance mode, an automated score was calculated to assess if this variant is too frequent to cause the disease. Based on the score and internal cut-off values, a variant classified as benign is not then subjected to further curation. The score for this variant resulted in a classification of benign for this disease.

Center for Pediatric Genomic Medicine, Children's Mercy Hospital and Clinics
Classification: Likely benign. Last evaluated: 2017-03-03. Review status: criteria provided, single submitter. Criteria: ACMG Guidelines, 2015. Collection method: clinical testing. Allele origin: germline.

GeneDx
Classification: Benign. Last evaluated: 2016-09-02. Review status: criteria provided, single submitter. Criteria: GeneDx Variant Classification (06012015). Collection method: clinical testing. Allele origin: germline. Affected: yes.
Comment: This variant is considered likely benign or benign based on one or more of the following criteria: it is a conservative change, it occurs at a poorly conserved position in the protein, it is predicted to be benign by multiple in silico algorithms, and/or has population frequency not consistent with disease.

Breakthrough Genomics
Classification: Likely benign. Review status: criteria provided, single submitter. Criteria: ACMG Guidelines, 2015. Collection method: not provided. Allele origin: germline. Inheritance: Autosomal recessive inheritance. Affected: yes.

Clinical Genetics DNA and cytogenetics Diagnostics Lab, Erasmus MC, Erasmus Medical Center
Classification: Likely benign. Review status: no assertion criteria provided. Collection method: clinical testing. Allele origin: germline. Affected: yes. Study: VKGL Data-share Consensus. Not counted in ClinVar's aggregate classification.

Laboratory of Diagnostic Genome Analysis, Leiden University Medical Center (LUMC)
Classification: Likely benign. Review status: no assertion criteria provided. Collection method: clinical testing. Allele origin: germline. Affected: yes. Study: VKGL Data-share Consensus. Not counted in ClinVar's aggregate classification.

Literature cited by the submitters: PubMed 27182040 (cited by Women's Health and Genetics/Laboratory Corporation of America, LabCorp).